The following is an entry in ClinVar:

ClinVar aggregate classification (germline): Uncertain significance (1 of 4 stars; one submission).

Conditions:
Familial thoracic aortic aneurysm and aortic dissection (TAAD). Also called: Thoracic aortic aneurysms and dissections. Identifiers: Orphanet 91387, MedGen C4707243, MONDO:0019625.

Submission:

Color Diagnostics, LLC DBA Color Health
Classification: Uncertain significance for Familial thoracic aortic aneurysm and aortic dissection. Last evaluated: 2023-12-05. Review status: criteria provided, single submitter. Criteria: ACMG Guidelines, 2015. Collection method: clinical testing. Allele origin: germline.
Comment: Variant of Uncertain Significance due to insufficient evidence: This missense variant is located in the myosin motor domain of the MYH11 protein. Computational prediction tools and conservation analyses suggest that this variant may have deleterious impact on the protein function. Computational splicing tools suggest that this variant may not impact RNA splicing. To our knowledge, functional assays have not been performed for this variant nor has this variant been reported in individuals affected with cardiovascular disorders in the literature. This variant is rare in the general population and has been identified in 0/277264 chromosomes by the Genome Aggregation Database (gnomAD). Available evidence is insufficient to determine the pathogenicity of this variant conclusively.

NM_002474.3(MYH11):c.1553G>A (p.Cys518Tyr)

Gene: MYH11 (myosin heavy chain 11; minus strand). Cytogenetic location: 16p13.11.
Variant type: single nucleotide variant.
Coding change: c.1553G>A on transcript NM_002474.3 (MANE Select); coding-DNA position 1553, G replaced by A.
Protein change: p.Cys518Tyr; replaces cysteine 518 with tyrosine.
Molecular consequence: missense variant.
Genome position (GRCh38, 1-based): chr16:15,757,849, C>T on the plus strand (G>A on the coding strand, the complement: MYH11 is on the minus strand). VCF-style: chr16-15757849-C-T. GRCh37 (hg19) VCF-style: chr16-15851706-C-T.
Other names: c.1574G>A, p.Cys525Tyr (NM_001040113.2, NM_001040114.2); c.1553G>A, p.Cys518Tyr (NM_022844.3); short protein forms C525Y, C518Y.
Identifiers: ClinVar variation 919313 (VCV000919313.5), dbSNP rs1308058516, ClinGen allele CA394870697.